The following is an entry in ClinVar:

NM_170784.3(MKKS):c.640G>C (p.Val214Leu)

Gene: MKKS (MKKS centrosomal shuttling protein; minus strand). Cytogenetic location: 20p12.2.
Variant type: single nucleotide variant.
Coding change: c.640G>C on transcript NM_170784.3 (MANE Select); coding-DNA position 640, G replaced by C.
Protein change: p.Val214Leu; replaces valine 214 with leucine.
Molecular consequence: missense variant.
Genome position (GRCh38, 1-based): chr20:10,412,875, C>G on the plus strand (G>C on the coding strand, the complement: MKKS is on the minus strand). VCF-style: chr20-10412875-C-G. GRCh37 (hg19) VCF-style: chr20-10393523-C-G.
Other names: c.640G>C, p.Val214Leu (NM_018848.3); short protein forms V214L.
Identifiers: ClinVar variation 5000485 (VCV005000485.1).

ClinVar aggregate classification (germline): Uncertain significance (1 of 4 stars; one submission).

Conditions:
MKKS-related disorder. Also called: MKKS-related disorders; MKKS-related condition.

gnomAD v4.1: 1 of 1,614,104 alleles (0.000062%); highest among the groups gnomAD compares: Non-Finnish European, 0.000085%; no homozygotes.

Submission:

PreventionGenetics, part of Exact Sciences
Classification: Uncertain significance for MKKS-related condition. Last evaluated: 2026-02-22. Review status: criteria provided, single submitter. Criteria: ACMG Guidelines, 2015. Collection method: clinical testing. Allele origin: germline.
Comment: The MKKS c.640G>C variant is predicted to result in the amino acid substitution p.Val214Leu. To our knowledge, this variant has not been reported in the literature or in a large population database (gnomAD), indicating this variant is rare. At this time, the clinical significance of this variant is uncertain due to the absence of conclusive functional and genetic evidence.